The following is an entry in ClinVar:

ClinVar aggregate classification (germline): Benign. Review status: criteria provided, multiple submitters, no conflicts (2 of 4 stars). 4 submissions from 4 submitters: Benign (2). 2 of the submissions do not count toward it. Last evaluated 2018-07-09.

Conditions:
alpha Thalassemia. Also called: Alpha thalassemia spectrum. Identifiers: Orphanet 846, MedGen C0002312, MONDO:0011399, OMIM 604131.

Allele frequency attached by ClinVar (database versions not stated): gnomAD exomes 1.00000.

Submissions (4):

GeneDx
Classification: Benign. Last evaluated: 2018-07-09. Review status: criteria provided, single submitter. Criteria: GeneDx Variant Classification Process June 2021. Collection method: clinical testing. Allele origin: germline. Affected: yes.

Breakthrough Genomics
Classification: Benign. Review status: criteria provided, single submitter. Criteria: ACMG Guidelines, 2015. Collection method: not provided. Allele origin: germline. Inheritance: Autosomal dominant inheritance. Affected: yes.

MOLECULAR BIOLOGY AND HUMAN GENETICS DIVISION, THE UNIVERSITY OF BURDWAN
Classification: Benign for alpha Thalassemia. Last evaluated: 2025-04-21. Review status: no assertion criteria provided. Collection method: research. Allele origin: germline. Affected: no. Observed: 4 variant alleles. Not counted in ClinVar's aggregate classification.
Comment: Upstream variant of the HBA2 gene, the variant present at higher frequency in general population, no phenotypic effect was identified in heterozygous condition

Upstream variant of the HBA2 gene, commonly occuring in the Bengali Beta Thalassemia Patients and identified during alpha-globin gene mutation screening.

Natera, Inc.
Classification: Benign for Alpha thalassemia. Last evaluated: 2019-02-11. Review status: no assertion criteria provided. Collection method: clinical testing. Allele origin: germline. Not counted in ClinVar's aggregate classification.

Literature cited by the submitters: PubMed 32021933 (cited by MOLECULAR BIOLOGY AND HUMAN GENETICS DIVISION, THE UNIVERSITY OF BURDWAN).

NM_000517.6(HBA2):c.-43G>C

Genes: HBA2 (hemoglobin subunit alpha 2; plus strand), LOC106804612 (hemoglobin subunit alpha 2 recombination region; plus strand). Cytogenetic location: 16p13.3.
Variant type: single nucleotide variant.
Coding change: c.-43G>C on transcript NM_000517.6 (MANE Select); 43 bases upstream of the start codon, G replaced by C.
Genome position (GRCh38, 1-based): chr16:172,870, G>C. VCF-style: chr16-172870-G-C. GRCh37 (hg19) VCF-style: chr16-222869-G-C.
Identifiers: ClinVar variation 1267676 (VCV001267676.5), dbSNP rs71382271, ClinGen allele CA7770105.